The following is an entry in ClinVar:

ClinVar aggregate classification (germline): Uncertain significance (1 of 4 stars; one submission).

Conditions:
Dyskeratosis congenita. Identifiers: Orphanet 1775, MedGen C0265965, MONDO:0015780.

gnomAD v4.1: 3 of 1,613,954 alleles (0.00019%); highest among the groups gnomAD compares: Non-Finnish European, 0.00025%; no homozygotes.

Submission:

Labcorp Genetics (formerly Invitae), Labcorp
Classification: Uncertain significance for Dyskeratosis congenita. Last evaluated: 2025-05-01. Review status: criteria provided, single submitter. Criteria: Invitae Variant Classification Sherloc (09022015). Collection method: clinical testing. Allele origin: germline.
Comment: This sequence change replaces leucine, which is neutral and non-polar, with valine, which is neutral and non-polar, at codon 383 of the CTC1 protein (p.Leu383Val). This variant is not present in population databases (gnomAD no frequency). This variant has not been reported in the literature in individuals affected with CTC1-related conditions. Invitae Evidence Modeling of protein sequence and biophysical properties (such as structural, functional, and spatial information, amino acid conservation, physicochemical variation, residue mobility, and thermodynamic stability) indicates that this missense variant is not expected to disrupt CTC1 protein function with a negative predictive value of 80%. In summary, the available evidence is currently insufficient to determine the role of this variant in disease. Therefore, it has been classified as a Variant of Uncertain Significance.

NM_025099.6(CTC1):c.1147C>G (p.Leu383Val)

Gene: CTC1 (CST telomere replication complex component 1; minus strand). Cytogenetic location: 17p13.1.
Variant type: single nucleotide variant.
Coding change: c.1147C>G on transcript NM_025099.6 (MANE Select); coding-DNA position 1147, C replaced by G.
Protein change: p.Leu383Val; replaces leucine 383 with valine.
Molecular consequence: missense variant. On other transcripts: non-coding transcript variant (1).
Genome position (GRCh38, 1-based): chr17:8,235,890, G>C on the plus strand (C>G on the coding strand, the complement: CTC1 is on the minus strand). VCF-style: chr17-8235890-G-C. GRCh37 (hg19) VCF-style: chr17-8139208-G-C.
Other names: c.1147C>G, p.Leu383Val (NM_001411067.1); short protein forms L383V.
Identifiers: ClinVar variation 4808198 (VCV004808198.1).
Genomic context (GRCh38, chr17:8,235,890, plus strand): 5'-CCTGCAGACACACTCCAGGTCGCATCACCCGCCTAAGGCCACGGAACTGCTGGTAGGCAA[G>C]GCAGAGCCCCAGCTGCCCATCCAGCTCATAGAGGCCAGCGGGCTCATTCAACACGCCAGT-3'
Protein context (NP_079375.3, residues 373-393): YELDGQLGLC[Leu383Val]AYQQFRGLRR